The following is an entry in ClinVar:

NM_002474.3(MYH11):c.5296-10_5296-9del

Genes: NDE1 (nudE neurodevelopment protein 1; plus strand), MYH11 (myosin heavy chain 11; minus strand). Cytogenetic location: 16p13.11.
Variant type: Microsatellite.
Coding change: c.5296-10_5296-9del on transcript NM_002474.3 (MANE Select); 10 bases into the intron before coding-DNA position 5296 through 9 bases into the intron before coding-DNA position 5296, 2 bases deleted (TC; older notation c.5296-10_5296-9delTC).
Molecular consequence: intron variant.
Genome position (GRCh38, 1-based): chr16:15,717,357-15,717,358, GA deleted on the plus strand (TC on the coding strand, the reverse complement: MYH11 is on the minus strand); deleting any 2 consecutive bases within chr16:15,717,357-15,717,361 gives the same sequence; the c. name uses the placement nearest the transcript's 3' end. VCF-style (leftmost placement, unchanged base first): chr16-15717356-GGA-G. GRCh37 (hg19) VCF-style: chr16-15811213-GGA-G.
Other names: c.948-6831_948-6830del (NM_001143979.2, NM_017668.3); c.5296-10_5296-9del (NM_022844.3); c.5317-10_5317-9del (NM_001040114.2, NM_001040113.2).
Identifiers: ClinVar variation 2773793 (VCV002773793.2), dbSNP rs2506084672, ClinGen allele CA2697555678.

ClinVar aggregate classification (germline): Uncertain significance (1 of 4 stars; one submission).

Conditions:
Familial thoracic aortic aneurysm and aortic dissection (TAAD). Also called: Thoracic aortic aneurysms and dissections. Identifiers: Orphanet 91387, MedGen C4707243, MONDO:0019625.

Submission:

Color Diagnostics, LLC DBA Color Health
Classification: Uncertain significance for Familial thoracic aortic aneurysm and aortic dissection. Last evaluated: 2022-01-04. Review status: criteria provided, single submitter. Criteria: ACMG Guidelines, 2015. Collection method: clinical testing. Allele origin: germline.
Comment: This variant deletes two consecutive nucleotides in intron 38 of the MYH11 gene. To our knowledge, functional studies have not been reported for this variant. This variant has not been reported in individuals affected with cardiovascular disorders in the literature. This variant has not been identified in the general population by the Genome Aggregation Database (gnomAD). The available evidence is insufficient to determine the role of this variant in disease conclusively. Therefore, this variant is classified as a Variant of Uncertain Significance.